The following is an entry in ClinVar:

ClinVar aggregate classification (germline): Pathogenic (1 of 4 stars; one submission).

Submission:

GeneDx
Classification: Pathogenic. Last evaluated: 2024-09-16. Review status: criteria provided, single submitter. Criteria: GeneDx Variant Classification Process June 2021. Collection method: clinical testing. Allele origin: germline. Affected: yes.
Comment: Nonsense variant predicted to result in protein truncation, as the last 1341 amino acids are lost, and other loss-of-function variants have been reported downstream in HGMD; Not observed at significant frequency in large population cohorts (gnomAD); Has not been previously published as pathogenic or benign to our knowledge

NM_002016.2(FLG):c.8161C>T (p.Gln2721Ter)

Genes: CCDST (cervical cancer associated DHX9 suppressive transcript; plus strand), FLG (filaggrin; minus strand). Cytogenetic location: 1q21.3.
Variant type: single nucleotide variant.
Coding change: c.8161C>T on transcript NM_002016.2 (MANE Select); coding-DNA position 8161, C replaced by T.
Protein change: p.Gln2721Ter; replaces glutamine 2721 with a stop codon.
Molecular consequence: nonsense.
Genome position (GRCh38, 1-based): chr1:152,306,725, G>A on the plus strand (C>T on the coding strand, the complement: FLG is on the minus strand). VCF-style: chr1-152306725-G-A. GRCh37 (hg19) VCF-style: chr1-152279201-G-A.
Other names: short protein forms Q2721*.
Identifiers: ClinVar variation 3770044 (VCV003770044.1).